The following is an entry in ClinVar:

ClinVar aggregate classification (germline): Uncertain significance (1 of 4 stars; one submission).

Submission:

Labcorp Genetics (formerly Invitae), Labcorp
Classification: Uncertain significance. Last evaluated: 2024-11-10. Review status: criteria provided, single submitter. Criteria: Invitae Variant Classification Sherloc (09022015). Collection method: clinical testing. Allele origin: germline.
Comment: This sequence change replaces methionine, which is neutral and non-polar, with valine, which is neutral and non-polar, at codon 1270 of the FBN3 protein (p.Met1270Val). This variant is not present in population databases (gnomAD no frequency). This variant has not been reported in the literature in individuals affected with FBN3-related conditions. Invitae Evidence Modeling of protein sequence and biophysical properties (such as structural, functional, and spatial information, amino acid conservation, physicochemical variation, residue mobility, and thermodynamic stability) indicates that this missense variant is not expected to disrupt FBN3 protein function with a negative predictive value of 80%. In summary, the available evidence is currently insufficient to determine the role of this variant in disease. Therefore, it has been classified as a Variant of Uncertain Significance.

NM_032447.5(FBN3):c.3808A>G (p.Met1270Val)

Gene: FBN3 (fibrillin 3; minus strand). Cytogenetic location: 19p13.2.
Variant type: single nucleotide variant.
Coding change: c.3808A>G on transcript NM_032447.5 (MANE Select); coding-DNA position 3808, A replaced by G.
Protein change: p.Met1270Val; replaces methionine 1270 with valine.
Molecular consequence: missense variant.
Genome position (GRCh38, 1-based): chr19:8,115,545, T>C on the plus strand (A>G on the coding strand, the complement: FBN3 is on the minus strand). VCF-style: chr19-8115545-T-C. GRCh37 (hg19) VCF-style: chr19-8180429-T-C.
Other names: c.3808A>G, p.Met1270Val (NM_001321431.2); short protein forms M1270V.
Identifiers: ClinVar variation 3685772 (VCV003685772.2).